The following is an entry in ClinVar:

ClinVar aggregate classification (germline): Conflicting classifications of pathogenicity. Review status: criteria provided, conflicting classifications (1 of 4 stars). 3 submissions from 3 submitters: Likely pathogenic (1); Uncertain significance (1). 1 of the submissions does not count toward it. Last evaluated 2026-01-19.

Conditions:
RPGR-related disorder. Also called: RPGR-related condition.
Primary ciliary dyskinesia. Also called: Ciliary dyskinesia. Identifiers: Orphanet 244, MedGen C0008780, MONDO:0016575, HP:0012265.

Submissions (3):

Labcorp Genetics (formerly Invitae), Labcorp
Classification: Uncertain significance for Primary ciliary dyskinesia. Last evaluated: 2026-01-19. Review status: criteria provided, single submitter. Criteria: Invitae Variant Classification Sherloc (09022015). Collection method: clinical testing. Allele origin: germline.
Comment: This sequence change falls in intron 3 of the RPGR gene. It does not directly change the encoded amino acid sequence of the RPGR protein. This variant is not present in population databases (gnomAD no frequency). This variant has been observed in individuals with retinitis pigmentosa (PMID: 10937588; internal data). ClinVar contains an entry for this variant (Variation ID: 98766). Algorithms developed to predict the effect of sequence changes on RNA splicing suggest that this variant may disrupt the consensus splice site. In summary, the available evidence is currently insufficient to determine the role of this variant in disease. Therefore, it has been classified as a Variant of Uncertain Significance.

Blueprint Genetics
Classification: Likely pathogenic for RPGR-related disorders. Last evaluated: 2019-10-16. Review status: criteria provided, single submitter. Criteria: ACMG Guidelines, 2015. Collection method: clinical testing. Allele origin: germline. Affected: yes. Observed: 2 variant alleles.

Retina International
No classification provided. Review status: no classification provided. Collection method: not provided. Allele origin: not provided. Not counted in ClinVar's aggregate classification.

Literature cited by the submitters: PubMed 10937588 (cited by Labcorp Genetics (formerly Invitae), Labcorp).

NM_001034853.2(RPGR):c.248-6T>A

Gene: RPGR (retinitis pigmentosa GTPase regulator; minus strand). Cytogenetic location: Xp11.4.
Variant type: single nucleotide variant.
Coding change: c.248-6T>A on transcript NM_001034853.2 (MANE Select); 6 bases into the intron before coding-DNA position 248, T replaced by A.
Molecular consequence: intron variant.
Genome position (GRCh38, 1-based): chrX:38,321,095, A>T on the plus strand (T>A on the coding strand, the complement: RPGR is on the minus strand). VCF-style: chrX-38321095-A-T. GRCh37 (hg19) VCF-style: chrX-38180348-A-T.
Other names: c.248-6T>A (NM_001367249.1, NM_001367250.1, NM_001367245.1 and 4 more transcripts); c.278-6T>A (NM_001367248.1).
Identifiers: ClinVar variation 98766 (VCV000098766.3), dbSNP rs62638635, ClinGen allele CA226395.